The following is an entry in ClinVar:

NM_213595.4(ISCU):c.418+382G>C

Gene: ISCU (iron-sulfur cluster assembly enzyme; plus strand). Cytogenetic location: 12q23.3.
Variant type: single nucleotide variant.
Coding change: c.418+382G>C on transcript NM_213595.4 (MANE Select); 382 bases into the intron after coding-DNA position 418, G replaced by C.
Molecular consequence: intron variant.
Genome position (GRCh38, 1-based): chr12:108,567,650, G>C. VCF-style: chr12-108567650-G-C. GRCh37 (hg19) VCF-style: chr12-108961426-G-C.
Other names: IVS5, G-C, +382; c.343+382G>C (NM_014301.4); c.419-8G>C (NM_001320042.1, NM_001301140.1); c.419-270G>C (NM_001301141.1).
Identifiers: ClinVar variation 223141 (VCV000223141.10), dbSNP rs767000507, ClinGen allele CA357001.

ClinVar aggregate classification (germline): Pathogenic. Review status: criteria provided, multiple submitters, no conflicts (2 of 4 stars). 5 submissions from 5 submitters: Pathogenic (3). 2 of the submissions do not count toward it. Last evaluated 2024-12-16.

Conditions:
ISCU-related disorders.
Hereditary myopathy with lactic acidosis due to ISCU deficiency (HML). Also called: MYOPATHY WITH LACTIC ACIDOSIS, HEREDITARY. Identifiers: Orphanet 43115, MedGen C1850718, MONDO:0009706, OMIM 255125.

Allele frequency attached by ClinVar (database versions not stated): gnomAD 0.00001; TOPMed 0.00001; gnomAD exomes 0.00002 and 0.00007.
gnomAD v4.1: 93 of 1,535,182 alleles (0.0061%); highest among the groups gnomAD compares: Non-Finnish European, 0.0071%; 1 homozygote.

Submissions (5):

Labcorp Genetics (formerly Invitae), Labcorp
Classification: Pathogenic. Last evaluated: 2024-12-16. Review status: criteria provided, single submitter. Criteria: Invitae Variant Classification Sherloc (09022015). Collection method: clinical testing. Allele origin: germline.
Comment: This sequence change falls in intron 4 of the ISCU gene. It does not directly change the encoded amino acid sequence of the ISCU protein. This variant is present in population databases (rs767000507, gnomAD 0.006%). This variant has been observed in individuals with hereditary myopathy with lactic acidosis (PMID: 18296749, 18304497, 20206689). It has also been observed to segregate with disease in related individuals. ClinVar contains an entry for this variant (Variation ID: 223141). Algorithms developed to predict the effect of variants on gene product structure and function are not available or were not evaluated for this variant. Experimental studies have shown that this variant affects ISCU function (PMID: 18304497, 19846308, 30209894). Algorithms developed to predict the effect of sequence changes on RNA splicing suggest that this variant may create or strengthen a splice site. For these reasons, this variant has been classified as Pathogenic.

Blueprint Genetics
Classification: Pathogenic for ISCU-related disorders. Last evaluated: 2022-07-27. Review status: criteria provided, single submitter. Criteria: ACMG Guidelines, 2015. Collection method: clinical testing. Allele origin: germline. Affected: yes. Observed: 5 variant alleles.

Centre for Inherited Metabolic Diseases, Karolinska University Hospital
Classification: Pathogenic for Hereditary myopathy with lactic acidosis due to ISCU deficiency. Last evaluated: 2021-04-07. Review status: criteria provided, single submitter. Criteria: ACMG Guidelines, 2015. Collection method: clinical testing. Allele origin: germline. Inheritance: Autosomal recessive inheritance. Affected: yes. Observed: 1 homozygote.

OMIM
Classification: Pathogenic for MYOPATHY WITH LACTIC ACIDOSIS, HEREDITARY. Last evaluated: 2012-03-01. Review status: no assertion criteria provided. Collection method: literature only. Allele origin: germline. Not counted in ClinVar's aggregate classification.

GeneReviews
No classification provided. Condition: Hereditary myopathy with lactic acidosis due to ISCU deficiency. Review status: no classification provided. Collection method: literature only. Allele origin: germline. Affected: yes. Not counted in ClinVar's aggregate classification.

Literature cited by the submitters: PubMed 18296749 (cited by 3 submitters); PubMed 18304497 (cited by 3 submitters); PubMed 20206689 (cited by 3 submitters); PubMed 19846308 (cited by 3 submitters); PubMed 30209894 (cited by Labcorp Genetics (formerly Invitae), Labcorp); PubMed 21165651 (cited by OMIM); PubMed 22125086 (cited by OMIM); NCBI Bookshelf NBK5299 (cited by GeneReviews).